The following is an entry in ClinVar:

NM_001042750.2(STAG2):c.1639G>A (p.Val547Met)

Gene: STAG2 (STAG2 cohesin complex component; plus strand). Cytogenetic location: Xq25.
Variant type: single nucleotide variant.
Coding change: c.1639G>A on transcript NM_001042750.2 (MANE Select); coding-DNA position 1639, G replaced by A.
Protein change: p.Val547Met; replaces valine 547 with methionine.
Molecular consequence: missense variant.
Genome position (GRCh38, 1-based): chrX:124,062,902, G>A. VCF-style: chrX-124062902-G-A. GRCh37 (hg19) VCF-style: chrX-123196752-G-A.
Other names: c.1639G>A, p.Val547Met (NM_001042749.2, NM_001042751.2, NM_001282418.2 and 13 more transcripts); short protein forms V547M.
Identifiers: ClinVar variation 1910221 (VCV001910221.5), dbSNP rs755010560, ClinGen allele CA10508850.

ClinVar aggregate classification (germline): Uncertain significance (1 of 4 stars; one submission).

Allele frequency attached by ClinVar (database versions not stated): gnomAD exomes below 0.00001; TOPMed below 0.00001; ExAC 0.00001; gnomAD 0.00001.

Submission:

Labcorp Genetics (formerly Invitae), Labcorp
Classification: Uncertain significance. Last evaluated: 2022-06-08. Review status: criteria provided, single submitter. Criteria: Invitae Variant Classification Sherloc (09022015). Collection method: clinical testing. Allele origin: germline.
Comment: This variant is present in population databases (rs755010560, gnomAD 0.02%). This sequence change replaces valine, which is neutral and non-polar, with methionine, which is neutral and non-polar, at codon 547 of the STAG2 protein (p.Val547Met). In summary, the available evidence is currently insufficient to determine the role of this variant in disease. Therefore, it has been classified as a Variant of Uncertain Significance. Algorithms developed to predict the effect of missense changes on protein structure and function (SIFT, PolyPhen-2, Align-GVGD) all suggest that this variant is likely to be tolerated. This variant has not been reported in the literature in individuals affected with STAG2-related conditions.